The following is an entry in ClinVar:

ClinVar aggregate classification (germline): Uncertain significance (1 of 4 stars; one submission).

Conditions:
Rhabdoid tumor predisposition syndrome 2 (RTPS2). Identifiers: Orphanet 231108, Orphanet 69077, MedGen C2750074, MONDO:0013224, OMIM 613325.

Submission:

Labcorp Genetics (formerly Invitae), Labcorp
Classification: Uncertain significance for Rhabdoid tumor predisposition syndrome 2. Last evaluated: 2021-12-06. Review status: criteria provided, single submitter. Criteria: Invitae Variant Classification Sherloc (09022015). Collection method: clinical testing. Allele origin: germline.
Comment: This sequence change falls in intron 33 of the SMARCA4 gene. It does not directly change the encoded amino acid sequence of the SMARCA4 protein. It affects a nucleotide within the consensus splice site. This variant is not present in population databases (gnomAD no frequency). This variant has not been reported in the literature in individuals affected with SMARCA4-related conditions. Variants that disrupt the consensus splice site are a relatively common cause of aberrant splicing (PMID: 17576681, 9536098). Algorithms developed to predict the effect of sequence changes on RNA splicing suggest that this variant may disrupt the consensus splice site. In summary, the available evidence is currently insufficient to determine the role of this variant in disease. Therefore, it has been classified as a Variant of Uncertain Significance.

Literature cited by the submitters: PubMed 17576681; PubMed 9536098.

NM_003072.5(SMARCA4):c.4636-3C>A

Gene: SMARCA4 (SWI/SNF related BAF chromatin remodeling complex subunit ATPase 4; plus strand). Cytogenetic location: 19p13.2.
Variant type: single nucleotide variant.
Coding change: c.4636-3C>A on transcript NM_003072.5 (MANE Select); 3 bases into the intron before coding-DNA position 4636, C replaced by A.
Molecular consequence: intron variant.
Genome position (GRCh38, 1-based): chr19:11,059,750, C>A. VCF-style: chr19-11059750-C-A. GRCh37 (hg19) VCF-style: chr19-11170426-C-A.
Other names: c.4636-3C>A (NM_001128844.3); c.4732-3C>A (NM_001128849.3, NM_001387283.1); c.4537-3C>A (NM_001128847.4, NM_001374457.1); c.4546-3C>A (NM_001128845.2); c.4543-3C>A (NM_001128846.2); c.4534-3C>A (NM_001128848.2).
Identifiers: ClinVar variation 1397053 (VCV001397053.6), dbSNP rs1555795859, ClinGen allele CA2573155640.